The following is an entry in ClinVar:

ClinVar aggregate classification (germline): Uncertain significance. Review status: criteria provided, multiple submitters, no conflicts (2 of 4 stars). 2 submissions from 2 submitters: Uncertain significance (2). Last evaluated 2022-07-01.

Allele frequency attached by ClinVar (database versions not stated): TOPMed below 0.00001.

Submissions (2):

CeGaT Center for Human Genetics Tuebingen
Classification: Uncertain significance. Last evaluated: 2022-07-01. Review status: criteria provided, single submitter. Criteria: CeGaT Center For Human Genetics Tuebingen Variant Classification Criteria Version 2. Collection method: clinical testing. Allele origin: germline. Affected: yes. Observed: 1 variant allele.
Comment: TTPA: PM2, PP3

Blueprint Genetics
Classification: Uncertain significance. Last evaluated: 2020-10-28. Review status: criteria provided, single submitter. Criteria: ACMG Guidelines, 2015. Collection method: clinical testing. Allele origin: germline.

NM_000370.3(TTPA):c.151T>C (p.Phe51Leu)

Gene: TTPA (alpha tocopherol transfer protein; minus strand). Cytogenetic location: 8q12.3.
Variant type: single nucleotide variant.
Coding change: c.151T>C on transcript NM_000370.3 (MANE Select); coding-DNA position 151, T replaced by C.
Protein change: p.Phe51Leu; replaces phenylalanine 51 with leucine.
Molecular consequence: missense variant.
Genome position (GRCh38, 1-based): chr8:63,085,871, A>G on the plus strand (T>C on the coding strand, the complement: TTPA is on the minus strand). VCF-style: chr8-63085871-A-G. GRCh37 (hg19) VCF-style: chr8-63998430-A-G.
Other names: short protein forms F51L.
Identifiers: ClinVar variation 1701547 (VCV001701547.32), dbSNP rs1805743237, ClinGen allele CA371403453.